The following is an entry in ClinVar:

ClinVar aggregate classification (germline): Likely pathogenic (1 of 4 stars; one submission).

Conditions:
Developmental and epileptic encephalopathy, 42 (DEE42A). Also called: Epileptic encephalopathy, early infantile, 42; DEVELOPMENTAL AND EPILEPTIC ENCEPHALOPATHY 42A; EPILEPTIC ENCEPHALOPATHY, EARLY INFANTILE, 42A. Identifiers: MedGen C4310716, MONDO:0014917, OMIM 617106.
Spinocerebellar ataxia type 6 (SCA6). Identifiers: Orphanet 98758, MedGen C0752124, MONDO:0008457, OMIM 183086.
Migraine, familial hemiplegic, 1. Also called: MIGRAINE, FAMILIAL HEMIPLEGIC 1, WITH PROGRESSIVE CEREBELLAR ATAXIA. Identifiers: Orphanet 569, MedGen C1832884, MONDO:0020756, OMIM 141500, MONDO:0007714.
Episodic ataxia type 2 (EA2). Also called: ACETAZOLAMIDE-RESPONSIVE HEREDITARY PAROXYSMAL CEREBELLAR ATAXIA; ATAXIA, EPISODIC, WITH NYSTAGMUS; ATAXIA, FAMILIAL PAROXYSMAL; CEREBELLAR ATAXIA, PAROXYSMAL, ACETAZOLAMIDE-RESPONSIVE; CEREBELLOPATHY, HEREDITARY PAROXYSMAL; EPISODIC ATAXIA, NYSTAGMUS-ASSOCIATED. Identifiers: Orphanet 97, MedGen C1720416, MONDO:0007163, OMIM 108500.

Submission:

Juno Genomics, Hangzhou Juno Genomics, Inc
Classification: Likely pathogenic for Spinocerebellar ataxia type 6; Developmental and epileptic encephalopathy, 42; Episodic ataxia type 2; Migraine, familial hemiplegic, 1. Review status: criteria provided, single submitter. Criteria: ACMG Guidelines, 2015. Collection method: clinical testing. Allele origin: germline.
Comment: Absent from controls (or at extremely low frequency if recessive) in Genome Aggregation Database.;Null variant in a gene where loss of function (LOF) is a known mechanism of disease.

NM_001127222.2(CACNA1A):c.3349del (p.Gln1117fs)

Gene: CACNA1A (calcium voltage-gated channel subunit alpha1 A; minus strand). Cytogenetic location: 19p13.13.
Variant type: Deletion.
Coding change: c.3349del on transcript NM_001127222.2 (MANE Select); coding-DNA position 3349, one base deleted (C; older notation c.3349delC).
Protein change: p.Gln1117fs; shifts the reading frame from glutamine 1117.
Molecular consequence: frameshift variant.
Genome position (GRCh38, 1-based): chr19:13,286,707, G deleted on the plus strand (C on the coding strand, the reverse complement: CACNA1A is on the minus strand); the first of 5 consecutive G bases (chr19:13,286,707-13,286,711); deleting any one gives the same sequence. VCF-style (leftmost placement, unchanged base first): chr19-13286706-TG-T. GRCh37 (hg19) VCF-style: chr19-13397520-TG-T.
Other names: c.3361del, p.Gln1121fs (NM_000068.4, NM_023035.3); c.3352del, p.Gln1118fs (NM_001127221.2, NM_001174080.2); short protein forms Q1117fs, Q1118fs, Q1121fs.
Identifiers: ClinVar variation 5018848 (VCV005018848.2).